The following is an entry in ClinVar:

ClinVar aggregate classification (germline): Pathogenic (1 of 4 stars; one submission).

Submission:

Labcorp Genetics (formerly Invitae), Labcorp
Classification: Pathogenic. Last evaluated: 2023-03-26. Review status: criteria provided, single submitter. Criteria: Invitae Variant Classification Sherloc (09022015). Collection method: clinical testing. Allele origin: germline.
Comment: For these reasons, this variant has been classified as Pathogenic. This variant has not been reported in the literature in individuals affected with ACAD9-related conditions. This variant is not present in population databases (gnomAD no frequency). This sequence change creates a premature translational stop signal (p.Lys316Glufs*4) in the ACAD9 gene. It is expected to result in an absent or disrupted protein product. Loss-of-function variants in ACAD9 are known to be pathogenic (PMID: 25721401).

Literature cited by the submitters: PubMed 25721401.

NM_014049.5(ACAD9):c.946_947del (p.Lys316fs)

Genes: ACAD9 (acyl-CoA dehydrogenase family member 9; plus strand), LOC126806807 (BRD4-independent group 4 enhancer GRCh37_chr3:128620937-128622136; plus strand). Cytogenetic location: 3q21.3.
Variant type: Deletion.
Coding change: c.946_947del on transcript NM_014049.5 (MANE Select); coding-DNA positions 946 to 947, 2 bases deleted (AA; older notation c.946_947delAA).
Protein change: p.Lys316fs; shifts the reading frame from lysine 316.
Molecular consequence: frameshift variant. On other transcripts: non-coding transcript variant (1).
Genome position (GRCh38, 1-based): chr3:128,902,616-128,902,617, AA deleted. VCF-style (leftmost placement, unchanged base first): chr3-128902615-CAA-C. GRCh37 (hg19) VCF-style: chr3-128621458-CAA-C.
Other names: c.577_578del, p.Lys193fs (NM_001410805.1); short protein forms K193fs, K316fs.
Identifiers: ClinVar variation 2849590 (VCV002849590.3), dbSNP rs2529266748, ClinGen allele CA2739278268.